The following is an entry in ClinVar:

NM_001077350.3(NPRL3):c.736_737insTTTC (p.Glu246fs)

Genes: HBA-LCR (alpha-globin locus control region; plus strand), NPRL3 (NPR3 like, GATOR1 complex subunit; minus strand). Cytogenetic location: 16p13.3.
Variant type: Insertion.
Coding change: c.736_737insTTTC on transcript NM_001077350.3 (MANE Select); coding-DNA positions 736 to 737, TTTC inserted.
Protein change: p.Glu246fs; shifts the reading frame from glutamic acid 246.
Molecular consequence: frameshift variant.
Genome position: GRCh38 VCF-style: chr16-100402-T-TGAAA. GRCh37 (hg19) VCF-style: chr16-150400-T-TGAAA.
Other names: c.199_200insTTTC, p.Glu67fs (NM_001039476.3); c.502_503insTTTC, p.Glu168fs (NM_001243247.2); c.661_662insTTTC, p.Glu221fs (NM_001243248.2, NM_001243249.2); short protein forms E168fs, E221fs, E246fs, E67fs.
Identifiers: ClinVar variation 2578437 (VCV002578437.2), dbSNP rs2542832163, ClinGen allele CA2580617645.

ClinVar aggregate classification (germline): Likely pathogenic (1 of 4 stars; one submission).

Conditions:
Epilepsy, familial focal, with variable foci 3 (FFEVF3). Identifiers: MedGen C4310708, MONDO:0014925, OMIM 617118.

Submission:

Institute of Human Genetics, University of Leipzig Medical Center
Classification: Likely pathogenic for Epilepsy, familial focal, with variable foci 3. Last evaluated: 2023-08-14. Review status: criteria provided, single submitter. Criteria: ACMG Guidelines, 2015. Collection method: clinical testing. Allele origin: unknown. Inheritance: Autosomal dominant inheritance. Affected: yes.
Comment: Criteria applied: PVS1,PM2_SUP